The following is an entry in ClinVar:

NM_000391.4(TPP1):c.1307T>C (p.Leu436Pro)

Gene: TPP1 (tripeptidyl peptidase 1; minus strand). Cytogenetic location: 11p15.4.
Variant type: single nucleotide variant.
Coding change: c.1307T>C on transcript NM_000391.4 (MANE Select); coding-DNA position 1307, T replaced by C.
Protein change: p.Leu436Pro; replaces leucine 436 with proline.
Molecular consequence: missense variant.
Genome position (GRCh38, 1-based): chr11:6,615,289, A>G on the plus strand (T>C on the coding strand, the complement: TPP1 is on the minus strand). VCF-style: chr11-6615289-A-G. GRCh37 (hg19) VCF-style: chr11-6636520-A-G.
Other names: p.Leu436Pro; short protein forms L436P.
Identifiers: ClinVar variation 457937 (VCV000457937.16), dbSNP rs150039898, ClinGen allele CA5858676.
Genomic context (GRCh38, chr11:6,615,289, plus strand): 5'-GAAAGTGCAGCCACATCTGGGTAGGCACGGCCACTGGCATTGAAGTAACTGGATGGTGGC[A>G]GGTGGGGGCTAGAGCTCAGGAACTTCGTTACAGCTTCCTCCTGAAAGGCATTTTTGAGTG-3'
Protein context (NP_000382.3, residues 426-446): VTKFLSSSPH[Leu436Pro]PPSSYFNASG

ClinVar aggregate classification (germline): Uncertain significance. Review status: criteria provided, multiple submitters, no conflicts (2 of 4 stars). 7 submissions from 7 submitters: Uncertain significance (6). 1 of the submissions does not count toward it. Last evaluated 2025-04-05.

Conditions:
Inborn genetic diseases. Identifiers: MedGen C0950123, MeSH D030342.
Neuronal ceroid lipofuscinosis 2. Also called: TPP1-Related Neuronal Ceroid-Lipofuscinosis; JANSKY-BIELSCHOWSKY DISEASE NEURONAL CEROID LIPOFUSCINOSIS, LATE INFANTILE. Identifiers: Orphanet 168491, Orphanet 228349, Orphanet 79264, MedGen C1876161, MONDO:0008769, OMIM 204500.
Seizure. Also called: Seizures. Identifiers: MedGen C0036572, HP:0001250.

Allele frequency attached by ClinVar (database versions not stated): gnomAD exomes 0.00003 and 0.00005; ExAC 0.00009; ESP Exome Variant Server 0.00015; gnomAD 0.00029 and 0.00031; 1000 Genomes Project 30x 0.00031; 1000 Genomes Project 0.00040; TOPMed 0.00044.
gnomAD v4.1: 86 of 1,614,210 alleles (0.0053%); highest among the groups gnomAD compares: African/African-American, 0.095%; no homozygotes.

Submissions (7):

GeneDx
Classification: Uncertain significance. Last evaluated: 2025-04-05. Review status: criteria provided, single submitter. Criteria: GeneDx Variant Classification Process June 2021. Collection method: clinical testing. Allele origin: germline. Affected: yes.
Comment: In silico analysis supports that this missense variant has a deleterious effect on protein structure/function; Has not been previously published as pathogenic or benign to our knowledge

Labcorp Genetics (formerly Invitae), Labcorp
Classification: Uncertain significance. Last evaluated: 2022-10-17. Review status: criteria provided, single submitter. Criteria: Invitae Variant Classification Sherloc (09022015). Collection method: clinical testing. Allele origin: germline.
Comment: This sequence change replaces leucine, which is neutral and non-polar, with proline, which is neutral and non-polar, at codon 436 of the TPP1 protein (p.Leu436Pro). This variant is present in population databases (rs150039898, gnomAD 0.07%). This variant has not been reported in the literature in individuals affected with TPP1-related conditions. ClinVar contains an entry for this variant (Variation ID: 457937). Advanced modeling of protein sequence and biophysical properties (such as structural, functional, and spatial information, amino acid conservation, physicochemical variation, residue mobility, and thermodynamic stability) has been performed at Invitae for this missense variant, however the output from this modeling did not meet the statistical confidence thresholds required to predict the impact of this variant on TPP1 protein function. In summary, the available evidence is currently insufficient to determine the role of this variant in disease. Therefore, it has been classified as a Variant of Uncertain Significance.

Ambry Genetics
Classification: Uncertain significance for Inborn genetic diseases. Last evaluated: 2021-07-14. Review status: criteria provided, single submitter. Criteria: Ambry Variant Classification Scheme 2023. Collection method: clinical testing. Allele origin: germline.

Mayo Clinic Laboratories, Mayo Clinic
Classification: Uncertain significance. Last evaluated: 2021-06-07. Review status: criteria provided, single submitter. Criteria: ACMG Guidelines, 2015. Collection method: clinical testing. Allele origin: germline.

Athena Diagnostics
Classification: Uncertain significance. Last evaluated: 2018-11-26. Review status: criteria provided, single submitter. Criteria: Athena Diagnostics Criteria. Collection method: clinical testing. Allele origin: germline.

Clinical Molecular Genetics Laboratory, Johns Hopkins All Children's Hospital
Classification: Uncertain significance for seizures. Last evaluated: 2017-04-04. Review status: criteria provided, single submitter. Criteria: ACMG Guidelines, 2015. Collection method: clinical testing. Allele origin: germline. Affected: yes.

Natera, Inc.
Classification: Uncertain significance for Neuronal ceroid lipofuscinosis 2. Last evaluated: 2020-09-16. Review status: no assertion criteria provided. Collection method: clinical testing. Allele origin: germline. Not counted in ClinVar's aggregate classification.